The following is an entry in ClinVar:

NM_000455.5(STK11):c.1175T>G (p.Met392Arg)

Gene: STK11 (serine/threonine kinase 11; plus strand). Cytogenetic location: 19p13.3.
Variant type: single nucleotide variant.
Coding change: c.1175T>G on transcript NM_000455.5 (MANE Select); coding-DNA position 1175, T replaced by G.
Protein change: p.Met392Arg; replaces methionine 392 with arginine.
Molecular consequence: missense variant.
Genome position (GRCh38, 1-based): chr19:1,226,520, T>G. VCF-style: chr19-1226520-T-G. GRCh37 (hg19) VCF-style: chr19-1226519-T-G.
Other names: short protein forms M392R.
Identifiers: ClinVar variation 480720 (VCV000480720.18), dbSNP rs876661013, ClinGen allele CA402953527.
Genomic context (GRCh38, chr19:1,226,520, plus strand): 5'-TCCCAGAAGAGGAGGCCAGTCACAATGGACAGCGCCGGGGCCTCCCCAAGGCCGTGTGTA[T>G]GAACGGCACAGAGGCGGCGCAGCTGAGCACCAAATCCAGGGCGGAGGGCCGGGCCCCCAA-3'
Protein context (NP_000446.1, residues 382-402): QRRGLPKAVC[Met392Arg]NGTEAAQLST

ClinVar aggregate classification (germline): Uncertain significance. Review status: criteria provided, multiple submitters, no conflicts (2 of 4 stars). 3 submissions from 3 submitters: Uncertain significance (3). Last evaluated 2025-12-10.

Conditions:
Hereditary cancer-predisposing syndrome. Also called: Hereditary neoplastic syndrome; Neoplastic Syndromes, Hereditary; Tumor predisposition; Hereditary Cancer Syndrome. Identifiers: Orphanet 140162, MedGen C0027672, MeSH D009386, MONDO:0015356.
Peutz-Jeghers syndrome (PJS). Also called: POLYPOSIS, HAMARTOMATOUS INTESTINAL; POLYPS-AND-SPOTS SYNDROME; Peutz-Jeghers polyposis; Periorificial lentiginosis syndrome. Identifiers: Orphanet 2869, MedGen C0031269, MeSH D010580, MONDO:0008280, OMIM 175200.

Submissions (3):

Ambry Genetics
Classification: Uncertain significance for Hereditary cancer-predisposing syndrome. Last evaluated: 2025-12-10. Review status: criteria provided, single submitter. Criteria: Ambry Variant Classification Scheme 2023. Collection method: clinical testing. Allele origin: germline.
Comment: The p.M392R variant (also known as c.1175T>G), located in coding exon 9 of the STK11 gene, results from a T to G substitution at nucleotide position 1175. The methionine at codon 392 is replaced by arginine, an amino acid with similar properties. This amino acid position is not well conserved in available vertebrate species. In addition, this alteration is predicted to be tolerated by in silico analysis. Since supporting evidence is limited at this time, the clinical significance of this alteration remains unclear.

Labcorp Genetics (formerly Invitae), Labcorp
Classification: Uncertain significance for Peutz-Jeghers syndrome. Last evaluated: 2024-09-27. Review status: criteria provided, single submitter. Criteria: Invitae Variant Classification Sherloc (09022015). Collection method: clinical testing. Allele origin: germline.
Comment: This sequence change replaces methionine, which is neutral and non-polar, with arginine, which is basic and polar, at codon 392 of the STK11 protein (p.Met392Arg). This variant is not present in population databases (gnomAD no frequency). This variant has not been reported in the literature in individuals affected with STK11-related conditions. ClinVar contains an entry for this variant (Variation ID: 480720). Invitae Evidence Modeling of protein sequence and biophysical properties (such as structural, functional, and spatial information, amino acid conservation, physicochemical variation, residue mobility, and thermodynamic stability) indicates that this missense variant is not expected to disrupt STK11 protein function with a negative predictive value of 95%. In summary, the available evidence is currently insufficient to determine the role of this variant in disease. Therefore, it has been classified as a Variant of Uncertain Significance.

Genome-Nilou Lab
Classification: Uncertain significance for Peutz-Jeghers syndrome. Last evaluated: 2021-07-15. Review status: criteria provided, single submitter. Criteria: ACMG Guidelines, 2015. Collection method: clinical testing. Allele origin: germline. Affected: no.